The following is an entry in ClinVar:

ClinVar aggregate classification (germline): Pathogenic (1 of 4 stars; one submission).

Conditions:
Autosomal recessive nonsyndromic hearing loss 12. Also called: DEAFNESS, AUTOSOMAL RECESSIVE 12. Identifiers: Orphanet 90636, MedGen C1832394, MONDO:0011067, OMIM 601386.

Submission:

Institute of Rare Diseases, West China Hospital, Sichuan University
Classification: Pathogenic for Autosomal recessive nonsyndromic hearing loss 12. Last evaluated: 2025-01-09. Review status: criteria provided, single submitter. Criteria: ClinGen HL ACMG Specifications v1. Collection method: research. Allele origin: germline. Affected: yes.
Comment: PVS1;PM3;PM2_Supporting

NM_022124.6(CDH23):c.1299del (p.Asn434fs)

Gene: CDH23 (cadherin related 23; plus strand). Cytogenetic location: 10q22.1.
Variant type: Deletion.
Coding change: c.1299del on transcript NM_022124.6 (MANE Select); coding-DNA position 1299, one base deleted (C; older notation c.1299delC).
Protein change: p.Asn434fs; shifts the reading frame from asparagine 434.
Molecular consequence: frameshift variant.
Genome position (GRCh38, 1-based): chr10:71,646,467, C deleted; the last of 2 consecutive C bases (chr10:71,646,466-71,646,467); deleting either gives the same sequence. VCF-style (leftmost placement, unchanged base first): chr10-71646465-GC-G. GRCh37 (hg19) VCF-style: chr10-73406222-GC-G.
Other names: c.1299del, p.Asn434fs (NM_001171930.2, NM_001171931.2, NM_052836.4); short protein forms N434fs.
Identifiers: ClinVar variation 3601122 (VCV003601122.1).